The following is an entry in ClinVar:

ClinVar aggregate classification (germline): Pathogenic. Review status: criteria provided, single submitter (1 of 4 stars). 2 submissions from 2 submitters: Pathogenic (1). 1 of the submissions does not count toward it. Last evaluated 2024-09-04.

Conditions:
Exostoses, multiple, type 2 (EXT2). Also called: Hereditary Multiple Osteochondromatosis, Type II; EXOSTOSES, MULTIPLE, TYPE II. Identifiers: Orphanet 321, MedGen C1851413, MONDO:0007586, OMIM 133701.

Submissions (2):

3billion
Classification: Pathogenic for Exostoses, multiple, type 2. Last evaluated: 2024-09-04. Review status: criteria provided, single submitter. Criteria: ACMG Guidelines, 2015. Collection method: clinical testing. Allele origin: germline. Affected: yes.
Comment: The variant is not observed in the gnomAD v4.0.0 dataset. Predicted Consequence/Location: Stop-gained (nonsense): predicted to result in a loss or disruption of normal protein function through nonsense-mediated decay (NMD) or protein truncation. Multiple pathogenic variants are reported downstream of the variant. The variant has been reported to be associated with EXT2 related disorder (ClinVar ID: VCV000002476 /PMID: 11432960). Therefore, this variant is classified as Pathogenic according to the recommendation of ACMG/AMP guideline.

OMIM
Classification: Pathogenic for EXOSTOSES, MULTIPLE, TYPE II. Last evaluated: 2009-05-01. Review status: no assertion criteria provided. Collection method: literature only. Allele origin: germline. Not counted in ClinVar's aggregate classification.

Literature cited by the submitters: PubMed 11432960 (cited by 3billion); PubMed 19344451 (cited by OMIM).

NM_207122.2(EXT2):c.772C>T (p.Gln258Ter)

Gene: EXT2 (exostosin glycosyltransferase 2; plus strand). Cytogenetic location: 11p11.2.
Variant type: single nucleotide variant.
Coding change: c.772C>T on transcript NM_207122.2 (MANE Select); coding-DNA position 772, C replaced by T.
Protein change: p.Gln258Ter; replaces glutamine 258 with a stop codon.
Molecular consequence: nonsense.
Genome position (GRCh38, 1-based): chr11:44,124,817, C>T. VCF-style: chr11-44124817-C-T. GRCh37 (hg19) VCF-style: chr11-44146367-C-T.
Other names: c.871C>T, p.Gln291Ter (NM_000401.3); c.772C>T, p.Gln258Ter (NM_001178083.3, NM_001389628.1, NM_001389630.1); short protein forms Q258*, Q291*.
Identifiers: ClinVar variation 2476 (VCV000002476.4), dbSNP rs267606786, ClinGen allele CA252302.